The following is an entry in ClinVar:

ClinVar aggregate classification (germline): Conflicting classifications of pathogenicity. Review status: criteria provided, conflicting classifications (1 of 4 stars). 7 submissions from 7 submitters: Uncertain significance (5); Likely benign (1). 1 of the submissions does not count toward it. Last evaluated 2026-02-03.

Conditions:
APC-related disorder. Also called: APC-related condition.
Classic or attenuated familial adenomatous polyposis. Identifiers: MedGen CN372698, MONDO:0021057.
Hereditary cancer-predisposing syndrome. Also called: Hereditary neoplastic syndrome; Tumor predisposition; Hereditary Cancer Syndrome; Neoplastic Syndromes, Hereditary. Identifiers: Orphanet 140162, MedGen C0027672, MeSH D009386, MONDO:0015356.
Familial adenomatous polyposis 1 (FAP1). Also called: FAMILIAL ADENOMATOUS POLYPOSIS 1, ATTENUATED; POLYPOSIS, ADENOMATOUS INTESTINAL. Identifiers: MedGen C2713442, MONDO:0021056, OMIM 175100. Disease mechanism: loss of function.

Allele frequency attached by ClinVar (database versions not stated): gnomAD 0.00001; gnomAD exomes 0.00001 and 0.00002; TOPMed 0.00001; ExAC 0.00002.
gnomAD v4.1: 7 of 1,613,838 alleles (0.00043%); highest among the groups gnomAD compares: Admixed American, 0.01%; no homozygotes.

Submissions (7):

Labcorp Genetics (formerly Invitae), Labcorp
Classification: Uncertain significance for Familial adenomatous polyposis 1. Last evaluated: 2026-02-03. Review status: criteria provided, single submitter. Criteria: Invitae Variant Classification Sherloc (09022015). Collection method: clinical testing. Allele origin: germline.
Comment: This sequence change replaces glutamine, which is neutral and polar, with histidine, which is basic and polar, at codon 2381 of the APC protein (p.Gln2381His). This variant is present in population databases (rs756153152, gnomAD 0.01%). This variant has not been reported in the literature in individuals affected with APC-related conditions. ClinVar contains an entry for this variant (Variation ID: 220313). Invitae Evidence Modeling of protein sequence and biophysical properties (such as structural, functional, and spatial information, amino acid conservation, physicochemical variation, residue mobility, and thermodynamic stability) indicates that this missense variant is not expected to disrupt APC protein function with a negative predictive value of 95%. In summary, the available evidence is currently insufficient to determine the role of this variant in disease. Therefore, it has been classified as a Variant of Uncertain Significance.

Ambry Genetics
Classification: Uncertain significance for Hereditary cancer-predisposing syndrome. Last evaluated: 2025-04-04. Review status: criteria provided, single submitter. Criteria: Ambry Variant Classification Scheme 2023. Collection method: clinical testing. Allele origin: germline.
Comment: The p.Q2381H variant (also known as c.7143A>C), located in coding exon 15 of the APC gene, results from an A to C substitution at nucleotide position 7143. The glutamine at codon 2381 is replaced by histidine, an amino acid with highly similar properties. This alteration has been observed in at least one individual with a personal and/or family history that is consistent with APC-related disease (Ambry internal data). Based on data from gnomAD, the frequency for this variant is above the maximum credible frequency for a disease-causing variant in this gene based on internally established thresholds (Karczewski et al. Nature. 2020 May;581(7809):434-443; Whiffin et al. Genet Med. 2017 10;19:1151-1158). This amino acid position is highly conserved in available vertebrate species. In addition, in silico predictors for this gene do not accurately predict pathogenicity. Based on the available evidence, the clinical significance of this alteration remains unclear.

Baylor Genetics
Classification: Uncertain significance for Familial adenomatous polyposis 1. Last evaluated: 2023-09-27. Review status: criteria provided, single submitter. Criteria: ACMG Guidelines, 2015. Collection method: clinical testing. Allele origin: unknown.

GeneDx
Classification: Uncertain significance. Last evaluated: 2023-08-08. Review status: criteria provided, single submitter. Criteria: GeneDx Variant Classification Process June 2021. Collection method: clinical testing. Allele origin: germline. Affected: yes.
Comment: Not observed at significant frequency in large population cohorts (gnomAD); In silico analysis supports that this missense variant does not alter protein structure/function; Has not been previously published as pathogenic or benign to our knowledge; This variant is associated with the following publications: (PMID: 18199528)

All of Us Research Program, National Institutes of Health
Classification: Uncertain significance for Classic or attenuated familial adenomatous polyposis. Last evaluated: 2023-05-31. Review status: criteria provided, single submitter. Criteria: ACMG Guidelines, 2015. Collection method: clinical testing. Allele origin: germline. Inheritance: Autosomal dominant inheritance. Observed: 1 variant allele, 1 heterozygote.
Comment: This study involves interpretation of variants in research participants for the purpose of population health screening. Participant phenotype was not available at the time of variant classification. Additional details can be found in publication PMID: 35346344, PMCID: PMC8962531

ARUP Laboratories, Molecular Genetics and Genomics, ARUP Laboratories
Classification: Likely benign. Last evaluated: 2022-03-31. Review status: criteria provided, single submitter. Criteria: ARUP Molecular Germline Variant Investigation Process 2021. Collection method: clinical testing. Allele origin: germline.

PreventionGenetics, part of Exact Sciences
Classification: Uncertain significance for APC-related condition. Last evaluated: 2024-08-07. Review status: no assertion criteria provided. Collection method: clinical testing. Allele origin: germline. Not counted in ClinVar's aggregate classification.
Comment: The APC c.7143A>C variant is predicted to result in the amino acid substitution p.Gln2381His. To our knowledge, this variant has not been reported in the literature. This variant is reported in 0.014% of alleles in individuals of Latino descent in gnomAD. This variant has conflicting interpretations in ClinVar ranging from likely benign to uncertain significance. At this time, the clinical significance of this variant is uncertain due to the absence of conclusive functional and genetic evidence.

NM_000038.6(APC):c.7143A>C (p.Gln2381His)

Gene: APC (APC regulator of Wnt signaling pathway; plus strand). Cytogenetic location: 5q22.2.
Variant type: single nucleotide variant.
Coding change: c.7143A>C on transcript NM_000038.6 (MANE Select); coding-DNA position 7143, A replaced by C.
Protein change: p.Gln2381His; replaces glutamine 2381 with histidine.
Molecular consequence: missense variant.
Genome position (GRCh38, 1-based): chr5:112,842,737, A>C. VCF-style: chr5-112842737-A-C. GRCh37 (hg19) VCF-style: chr5-112178434-A-C.
Other names: c.7143A>C, p.Gln2381His (NM_001127510.3, NM_001354895.2); c.7089A>C, p.Gln2363His (NM_001127511.3); c.7197A>C, p.Gln2399His (NM_001354896.2); c.7173A>C, p.Gln2391His (NM_001354897.2); c.7068A>C, p.Gln2356His (NM_001354898.2); c.7059A>C, p.Gln2353His (NM_001354899.2); c.7020A>C, p.Gln2340His (NM_001354900.2); c.6966A>C, p.Gln2322His (NM_001354901.2); and 5 more; short protein forms Q2363H, Q2381H, Q2280H, Q2391H, Q2399H, Q2340H, Q2221H, Q2255H.
Identifiers: ClinVar variation 220313 (VCV000220313.24), dbSNP rs756153152, ClinGen allele CA047064.